The following is an entry in ClinVar:

ClinVar aggregate classification (germline): Uncertain significance. Review status: criteria provided, multiple submitters, no conflicts (2 of 4 stars). 4 submissions from 4 submitters: Uncertain significance (4). Last evaluated 2026-01-05.

Conditions:
Inborn genetic diseases. Identifiers: MedGen C0950123, MeSH D030342.
Hereditary spastic paraplegia 11. Also called: Nakamura Osame syndrome; Spastic paraplegia, mental retardation and thin corpus callosum; Autosomal recessive hereditary spastic paraplegia, mental impairment, and thin corpus callosum; SPASTIC PARAPLEGIA, AUTOSOMAL RECESSIVE, COMPLICATED, WITH THIN CORPUS CALLOSUM; SPASTIC PARAPLEGIA, AUTOSOMAL RECESSIVE, WITH MENTAL IMPAIRMENT AND THIN CORPUS CALLOSUM; Spastic Paraplegia 11. Identifiers: Orphanet 2822, MedGen C1858479, MONDO:0011445, OMIM 604360.

Allele frequency attached by ClinVar (database versions not stated): gnomAD exomes below 0.00001 and 0.00001; gnomAD 0.00001; TOPMed 0.00001; ExAC 0.00002; ESP Exome Variant Server 0.00015.
gnomAD v4.1: 6 of 1,614,054 alleles (0.00037%); highest among the groups gnomAD compares: Non-Finnish European, 0.00042%; no homozygotes.

Submissions (4):

Labcorp Genetics (formerly Invitae), Labcorp
Classification: Uncertain significance for Hereditary spastic paraplegia 11. Last evaluated: 2026-01-05. Review status: criteria provided, single submitter. Criteria: Invitae Variant Classification Sherloc (09022015). Collection method: clinical testing. Allele origin: germline.
Comment: This sequence change replaces proline, which is neutral and non-polar, with arginine, which is basic and polar, at codon 1929 of the SPG11 protein (p.Pro1929Arg). This variant is present in population databases (rs375020581, gnomAD 0.007%). This variant has not been reported in the literature in individuals affected with SPG11-related conditions. ClinVar contains an entry for this variant (Variation ID: 1038610). Invitae Evidence Modeling of protein sequence and biophysical properties (such as structural, functional, and spatial information, amino acid conservation, physicochemical variation, residue mobility, and thermodynamic stability) indicates that this missense variant is expected to disrupt SPG11 protein function with a positive predictive value of 80%. In summary, the available evidence is currently insufficient to determine the role of this variant in disease. Therefore, it has been classified as a Variant of Uncertain Significance.

Mayo Clinic Laboratories, Mayo Clinic
Classification: Uncertain significance. Last evaluated: 2025-12-04. Review status: criteria provided, single submitter. Criteria: ACMG Guidelines, 2015. Collection method: clinical testing. Allele origin: germline. Observed: 1 variant allele.
Comment: PM2_supporting

Blueprint Genetics
Classification: Uncertain significance. Last evaluated: 2023-07-17. Review status: criteria provided, single submitter. Criteria: ACMG Guidelines, 2015. Collection method: clinical testing. Allele origin: germline.

Ambry Genetics
Classification: Uncertain significance for Inborn genetic diseases. Last evaluated: 2023-04-13. Review status: criteria provided, single submitter. Criteria: Ambry Variant Classification Scheme 2023. Collection method: clinical testing. Allele origin: germline.

NM_025137.4(SPG11):c.5786C>G (p.Pro1929Arg)

Gene: SPG11 (SPG11 vesicle trafficking associated, spatacsin; minus strand). Cytogenetic location: 15q21.1.
Variant type: single nucleotide variant.
Coding change: c.5786C>G on transcript NM_025137.4 (MANE Select); coding-DNA position 5786, C replaced by G.
Protein change: p.Pro1929Arg; replaces proline 1929 with arginine.
Molecular consequence: missense variant.
Genome position (GRCh38, 1-based): chr15:44,583,894, G>C on the plus strand (C>G on the coding strand, the complement: SPG11 is on the minus strand). VCF-style: chr15-44583894-G-C. GRCh37 (hg19) VCF-style: chr15-44876092-G-C.
Other names: p.Pro1929Arg; c.5786C>G, p.Pro1929Arg (NM_001160227.2); c.5786C>G (NM_025137.3); short protein forms P1929R.
Identifiers: ClinVar variation 1038610 (VCV001038610.7), dbSNP rs375020581, ClinGen allele CA7534350.